The following is an entry in ClinVar:

NM_001875.5(CPS1):c.2659A>G (p.Met887Val)

Gene: CPS1 (carbamoyl-phosphate synthase 1; plus strand). Cytogenetic location: 2q34.
Variant type: single nucleotide variant.
Coding change: c.2659A>G on transcript NM_001875.5 (MANE Select); coding-DNA position 2659, A replaced by G.
Protein change: p.Met887Val; replaces methionine 887 with valine.
Molecular consequence: missense variant. On other transcripts: non-coding transcript variant (2).
Genome position (GRCh38, 1-based): chr2:210,616,513, A>G. VCF-style: chr2-210616513-A-G. GRCh37 (hg19) VCF-style: chr2-211481237-A-G.
Other names: c.2659A>G, p.Met887Val (NM_001122633.3, NM_001369257.1); c.2692A>G, p.Met898Val (NM_001369256.1); short protein forms M887V, M898V.
Identifiers: ClinVar variation 2095027 (VCV002095027.4), dbSNP rs1699312076, ClinGen allele CA350441607.

ClinVar aggregate classification (germline): Uncertain significance (1 of 4 stars; one submission).

Conditions:
Congenital hyperammonemia, type I. Also called: CPS I DEFICIENCY; Carbamoyl phosphate synthetase 1 deficiency; Hyperammonemia due to carbamoyl phosphate synthetase 1 deficiency; CPS 1 deficiency; Carbamyl phosphate synthetase (CPS) deficiency; Carbamoyl phosphate synthetase I deficiency disease. Identifiers: Orphanet 147, MedGen C4082171, MONDO:0009376, OMIM 237300.

Allele frequency attached by ClinVar (database versions not stated): gnomAD exomes below 0.00001.
gnomAD v4.1: 1 of 1,610,796 alleles (0.000062%); highest among the groups gnomAD compares: Non-Finnish European, 0.000085%; no homozygotes.

Submission:

Labcorp Genetics (formerly Invitae), Labcorp
Classification: Uncertain significance for Congenital hyperammonemia, type I. Last evaluated: 2022-02-08. Review status: criteria provided, single submitter. Criteria: Invitae Variant Classification Sherloc (09022015). Collection method: clinical testing. Allele origin: germline.
Comment: This variant has not been reported in the literature in individuals affected with CPS1-related conditions. This sequence change replaces methionine, which is neutral and non-polar, with valine, which is neutral and non-polar, at codon 887 of the CPS1 protein (p.Met887Val). This variant is not present in population databases (gnomAD no frequency). Algorithms developed to predict the effect of missense changes on protein structure and function are either unavailable or do not agree on the potential impact of this missense change (SIFT: "Deleterious"; PolyPhen-2: "Benign"; Align-GVGD: "Class C0"). In summary, the available evidence is currently insufficient to determine the role of this variant in disease. Therefore, it has been classified as a Variant of Uncertain Significance.